The following is an entry in ClinVar:

ClinVar aggregate classification (germline): Uncertain significance (1 of 4 stars; one submission).

Conditions:
Inborn genetic diseases. Identifiers: MedGen C0950123, MeSH D030342.

Submission:

Ambry Genetics
Classification: Uncertain significance for Inborn genetic diseases. Last evaluated: 2026-06-24. Review status: criteria provided, single submitter. Criteria: Ambry Variant Classification Scheme 2023. Collection method: clinical testing. Allele origin: germline.
Comment: The p.K1452N variant (also known as c.4356G>C), located in coding exon 30 of the ANKRD26 gene, results from a G to C substitution at nucleotide position 4356. The lysine at codon 1452 is replaced by asparagine, an amino acid with similar properties. This amino acid position is conserved. In addition, this alteration is predicted to be tolerated by in silico analysis. Based on the available evidence, the clinical significance of this variant remains unclear.

NM_014915.3(ANKRD26):c.4356G>C (p.Lys1452Asn)

Gene: ANKRD26 (ankyrin repeat domain 26; minus strand). Cytogenetic location: 10p12.1.
Variant type: single nucleotide variant.
Coding change: c.4356G>C on transcript NM_014915.3 (MANE Select); coding-DNA position 4356, G replaced by C.
Protein change: p.Lys1452Asn; replaces lysine 1452 with asparagine.
Molecular consequence: missense variant.
Genome position (GRCh38, 1-based): chr10:27,017,652, C>G on the plus strand (G>C on the coding strand, the complement: ANKRD26 is on the minus strand). VCF-style: chr10-27017652-C-G. GRCh37 (hg19) VCF-style: chr10-27306581-C-G.
Other names: c.4353G>C, p.Lys1451Asn (NM_001256053.2); short protein forms K1451N, K1452N.
Identifiers: ClinVar variation 5022895 (VCV005022895.1).